The following is an entry in ClinVar:

ClinVar aggregate classification (germline): Uncertain significance (1 of 4 stars; one submission).

Submission:

Labcorp Genetics (formerly Invitae), Labcorp
Classification: Uncertain significance. Last evaluated: 2024-04-16. Review status: criteria provided, single submitter. Criteria: Invitae Variant Classification Sherloc (09022015). Collection method: clinical testing. Allele origin: germline.
Comment: This sequence change replaces cysteine, which is neutral and slightly polar, with tyrosine, which is neutral and polar, at codon 110 of the AHDC1 protein (p.Cys110Tyr). This variant is not present in population databases (gnomAD no frequency). This variant has not been reported in the literature in individuals affected with AHDC1-related conditions. An algorithm developed to predict the effect of missense changes on protein structure and function (PolyPhen-2) suggests that this variant is likely to be tolerated. In summary, the available evidence is currently insufficient to determine the role of this variant in disease. Therefore, it has been classified as a Variant of Uncertain Significance.

NM_001371928.1(AHDC1):c.329G>A (p.Cys110Tyr)

Gene: AHDC1 (AT-hook DNA binding motif containing 1; minus strand). Cytogenetic location: 1p36.11.
Variant type: single nucleotide variant.
Coding change: c.329G>A on transcript NM_001371928.1 (MANE Select); coding-DNA position 329, G replaced by A.
Protein change: p.Cys110Tyr; replaces cysteine 110 with tyrosine.
Molecular consequence: missense variant.
Genome position (GRCh38, 1-based): chr1:27,551,787, C>T on the plus strand (G>A on the coding strand, the complement: AHDC1 is on the minus strand). VCF-style: chr1-27551787-C-T. GRCh37 (hg19) VCF-style: chr1-27878298-C-T.
Other names: c.329G>A, p.Cys110Tyr (NM_001029882.3); short protein forms C110Y.
Identifiers: ClinVar variation 2827609 (VCV002827609.3), dbSNP rs764886972, ClinGen allele CA339238019.